The following is an entry in ClinVar:

NM_001163435.3(TBCK):c.385C>T (p.His129Tyr)

Gene: TBCK (TBC1 domain containing kinase; minus strand). Cytogenetic location: 4q24.
Variant type: single nucleotide variant.
Coding change: c.385C>T on transcript NM_001163435.3 (MANE Select); coding-DNA position 385, C replaced by T.
Protein change: p.His129Tyr; replaces histidine 129 with tyrosine.
Molecular consequence: missense variant. On other transcripts: 5 prime UTR variant (1), intron variant (1).
Genome position (GRCh38, 1-based): chr4:106,260,507, G>A on the plus strand (C>T on the coding strand, the complement: TBCK is on the minus strand). VCF-style: chr4-106260507-G-A. GRCh37 (hg19) VCF-style: chr4-107181664-G-A.
Other names: c.385C>T, p.His129Tyr (NM_001163436.4, NM_001163437.3); c.-233C>T (NM_001290768.2); c.267-8500C>T (NM_033115.5); short protein forms H129Y.
Identifiers: ClinVar variation 1507095 (VCV001507095.6), dbSNP rs2150094611, ClinGen allele CA357970188.

ClinVar aggregate classification (germline): Uncertain significance (1 of 4 stars; one submission).

gnomAD v4.1: 1 of 1,240,230 alleles (0.000081%); highest among the groups gnomAD compares: Non-Finnish European, 0.00011%; no homozygotes.

Submission:

Labcorp Genetics (formerly Invitae), Labcorp
Classification: Uncertain significance. Last evaluated: 2023-05-22. Review status: criteria provided, single submitter. Criteria: Invitae Variant Classification Sherloc (09022015). Collection method: clinical testing. Allele origin: germline.
Comment: This sequence change replaces histidine, which is basic and polar, with tyrosine, which is neutral and polar, at codon 129 of the TBCK protein (p.His129Tyr). This variant is not present in population databases (gnomAD no frequency). This variant has not been reported in the literature in individuals affected with TBCK-related conditions. ClinVar contains an entry for this variant (Variation ID: 1507095). Advanced modeling of protein sequence and biophysical properties (such as structural, functional, and spatial information, amino acid conservation, physicochemical variation, residue mobility, and thermodynamic stability) performed at Invitae indicates that this missense variant is not expected to disrupt TBCK protein function. In summary, the available evidence is currently insufficient to determine the role of this variant in disease. Therefore, it has been classified as a Variant of Uncertain Significance.